The following is an entry in ClinVar:

ClinVar aggregate classification (germline): Likely pathogenic (1 of 4 stars; one submission).

Conditions:
Maple syrup urine disease (MSUD). Identifiers: Orphanet 511, MedGen C0024776, MeSH D008375, MONDO:0009563. Disease mechanism: loss of function.

Allele frequency attached by ClinVar (database versions not stated): gnomAD exomes below 0.00001.
gnomAD v4.1: 2 of 1,524,880 alleles (0.00013%); highest among the groups gnomAD compares: Non-Finnish European, 0.00018%; no homozygotes.

Submission:

Labcorp Genetics (formerly Invitae), Labcorp
Classification: Likely pathogenic for Maple syrup urine disease. Last evaluated: 2023-09-30. Review status: criteria provided, single submitter. Criteria: Invitae Variant Classification Sherloc (09022015). Collection method: clinical testing. Allele origin: germline.
Comment: This variant has not been reported in the literature in individuals affected with DBT-related conditions. In summary, the currently available evidence indicates that the variant is pathogenic, but additional data are needed to prove that conclusively. Therefore, this variant has been classified as Likely Pathogenic. Algorithms developed to predict the effect of sequence changes on RNA splicing suggest that this variant may disrupt the consensus splice site. This variant is not present in population databases (gnomAD no frequency). This sequence change affects a donor splice site in intron 6 of the DBT gene. It is expected to disrupt RNA splicing. Variants that disrupt the donor or acceptor splice site typically lead to a loss of protein function (PMID: 16199547), and loss-of-function variants in DBT are known to be pathogenic (PMID: 16579849, 16786533).

Literature cited by the submitters: PubMed 16199547; PubMed 16579849; PubMed 16786533.

NM_001918.5(DBT):c.772+2T>G

Gene: DBT (dihydrolipoamide branched chain transacylase E2; minus strand). Cytogenetic location: 1p21.2.
Variant type: single nucleotide variant.
Coding change: c.772+2T>G on transcript NM_001918.5 (MANE Select); the canonical splice donor site of the intron after coding-DNA position 772, T replaced by G.
Molecular consequence: splice donor variant.
Genome position (GRCh38, 1-based): chr1:100,215,981, A>C on the plus strand (T>G on the coding strand, the complement: DBT is on the minus strand). VCF-style: chr1-100215981-A-C. GRCh37 (hg19) VCF-style: chr1-100681537-A-C.
Other names: c.229+2T>G (NM_001399972.1, NM_001399969.1).
Identifiers: ClinVar variation 2764614 (VCV002764614.3), dbSNP rs2524153154, ClinGen allele CA341338125.
Genomic context (GRCh38, chr1:100,215,981, plus strand): 5'-GAGGTAGCTTCCCCCAAAATAAATGAACTATTGCCTTATAGTATTGTTATTATTATCATT[A>C]CCTTTTATGGGTTCTGTTTTGTCTTTGCCTGTGAATACCGGAGGTTTTGATACTAGTATA-3'